The following is an entry in ClinVar:

NM_138735.4:(NRXN1):c.49GGC[13] (p.Gly17[13])

Gene: NRXN1 (neurexin 1; minus strand). Cytogenetic location: 2p16.3.
Variant type: Microsatellite.
Molecular consequence: intron variant (on NM_001330078.2). On other transcripts: inframe insertion (4).
Genome position: GRCh38 VCF-style: chr2-50346870-G-GCGCCGCCGC. GRCh37 (hg19) VCF-style: chr2-50574008-G-GCGCCGCCGC.
Other names: c.50GCG[13], p.Gly24_Gly26dup (NM_001330091.2, NM_001330092.2, NM_001330097.2 and 1 more transcripts); c.3254-109930GCG[13] (NM_001330096.2, NM_001330087.2); c.3299-109930GCG[13] (NM_001330083.2, NM_001330084.2); c.3284-109930GCG[13] (NM_001330088.2); c.3362-109930GCG[13] (NM_001330093.2); c.3353-109930GCG[13] (NM_001330094.2); c.3314-109930GCG[13] (NM_001330095.2); c.3341-109930GCG[13] (NM_001330082.2, NM_001330077.2); and 3 more.
Identifiers: ClinVar variation 419727 (VCV000419727.8), dbSNP rs750165040, ClinGen allele CA16617737.

ClinVar aggregate classification (germline): Likely benign. Review status: criteria provided, multiple submitters, no conflicts (2 of 4 stars). 2 submissions from 2 submitters: Likely benign (2). Last evaluated 2023-07-05.

Conditions:
Inborn genetic diseases. Identifiers: MedGen C0950123, MeSH D030342.

Submissions (2):

GeneDx
Classification: Likely benign. Last evaluated: 2023-07-05. Review status: criteria provided, single submitter. Criteria: GeneDx Variant Classification Process June 2021. Collection method: clinical testing. Allele origin: germline. Affected: yes.
Comment: See Variant Classification Assertion Criteria.

Ambry Genetics
Classification: Likely benign for Inborn genetic diseases. Last evaluated: 2018-11-07. Review status: criteria provided, single submitter. Criteria: Ambry Variant Classification Scheme 2023. Collection method: clinical testing. Allele origin: germline.